The following is an entry in ClinVar:

ClinVar aggregate classification (germline): Benign. Review status: criteria provided, multiple submitters, no conflicts (2 of 4 stars). 4 submissions from 3 submitters: Benign (4). Last evaluated 2021-05-22.

Conditions:
Isolated microphthalmia 2. Identifiers: Orphanet 2542, MedGen C1864720, MONDO:0012409, OMIM 610093.
Microphthalmia, isolated, with coloboma 3 (MCOPCB3). Also called: MICROPHTHALMIA/COLOBOMA 3; MICROPHTHALMIA, COLOBOMATOUS, 3. Identifiers: Orphanet 98938, MedGen C1864721, MONDO:0012408, OMIM 610092.

Allele frequency attached by ClinVar (database versions not stated): 1000 Genomes Project 30x 0.07745; gnomAD 0.06802 and 0.07204; 1000 Genomes Project 0.07288; TOPMed 0.07535; gnomAD exomes 0.00909.
gnomAD v4.1: 10,287 of 152,390 alleles (6.8%); highest among the groups gnomAD compares: African/African-American, 20%; 893 homozygotes.

Submissions (4):

GeneDx
Classification: Benign. Last evaluated: 2021-05-22. Review status: criteria provided, single submitter. Criteria: GeneDx Variant Classification Process June 2021. Collection method: clinical testing. Allele origin: germline. Affected: yes.

Illumina Laboratory Services, Illumina
Classification: Benign for Microphthalmia, isolated, with coloboma 3. Last evaluated: 2018-01-12. Review status: criteria provided, single submitter. Criteria: ICSL Variant Classification Criteria 13 December 2019. Collection method: clinical testing. Allele origin: germline.
Comment: This variant was observed in the ICSL laboratory as part of a predisposition screen in an ostensibly healthy population. It had not been previously curated by ICSL or reported in the Human Gene Mutation Database (HGMD: prior to June 1st, 2018), and was therefore a candidate for classification through an automated scoring system. Utilizing variant allele frequency, disease prevalence and penetrance estimates, and inheritance mode, an automated score was calculated to assess if this variant is too frequent to cause the disease. Based on the score and internal cut-off values, a variant classified as benign is not then subjected to further curation. The score for this variant resulted in a classification of benign for this disease.

Illumina Laboratory Services, Illumina
Classification: Benign for Isolated microphthalmia 2. Last evaluated: 2018-01-12. Review status: criteria provided, single submitter. Criteria: ICSL Variant Classification Criteria 13 December 2019. Collection method: clinical testing. Allele origin: germline.
Comment: the same text as in the submission from Illumina Laboratory Services, Illumina above.

Breakthrough Genomics
Classification: Benign. Review status: criteria provided, single submitter. Criteria: ACMG Guidelines, 2015. Collection method: not provided. Allele origin: germline. Inheritance: Autosomal recessive inheritance. Affected: yes.

NM_182894.3(VSX2):c.*1302G>A

Gene: VSX2 (visual system homeobox 2; plus strand). Cytogenetic location: 14q24.3.
Variant type: single nucleotide variant.
Coding change: c.*1302G>A on transcript NM_182894.3 (MANE Select); 1302 bases downstream of the stop codon, G replaced by A.
Molecular consequence: 3 prime UTR variant.
Genome position (GRCh38, 1-based): chr14:74,262,221, G>A. VCF-style: chr14-74262221-G-A. GRCh37 (hg19) VCF-style: chr14-74728924-G-A.
Identifiers: ClinVar variation 314221 (VCV000314221.7), dbSNP rs8020424, ClinGen allele CA10644848.